The following is an entry in ClinVar:

ClinVar aggregate classification (germline): Uncertain significance. Review status: criteria provided, multiple submitters, no conflicts (2 of 4 stars). 2 submissions from 2 submitters: Uncertain significance (2). Last evaluated 2024-01-16.

Allele frequency attached by ClinVar (database versions not stated): TOPMed 0.00004; ESP Exome Variant Server 0.00008.
gnomAD v4.1: 17 of 1,614,086 alleles (0.0011%); highest among the groups gnomAD compares: African/African-American, 0.0027%; no homozygotes.

Submissions (2):

Blueprint Genetics
Classification: Uncertain significance. Last evaluated: 2024-01-16. Review status: criteria provided, single submitter. Criteria: ACMG Guidelines, 2015. Collection method: clinical testing. Allele origin: germline.

Labcorp Genetics (formerly Invitae), Labcorp
Classification: Uncertain significance. Last evaluated: 2022-08-16. Review status: criteria provided, single submitter. Criteria: Invitae Variant Classification Sherloc (09022015). Collection method: clinical testing. Allele origin: germline.
Comment: This variant is present in population databases (rs370186140, gnomAD 0.0009%). This sequence change replaces arginine, which is basic and polar, with lysine, which is basic and polar, at codon 7 of the KCNV2 protein (p.Arg7Lys). Advanced modeling of protein sequence and biophysical properties (such as structural, functional, and spatial information, amino acid conservation, physicochemical variation, residue mobility, and thermodynamic stability) performed at Invitae indicates that this missense variant is not expected to disrupt KCNV2 protein function. In summary, the available evidence is currently insufficient to determine the role of this variant in disease. Therefore, it has been classified as a Variant of Uncertain Significance. Experimental studies have shown that this missense change affects KCNV2 function (PMID: 21402906). ClinVar contains an entry for this variant (Variation ID: 970650). This variant has not been reported in the literature in individuals affected with KCNV2-related conditions.

Literature cited by the submitters: PubMed 21402906 (cited by Labcorp Genetics (formerly Invitae), Labcorp).

NM_133497.4(KCNV2):c.20G>A (p.Arg7Lys)

Gene: KCNV2 (potassium voltage-gated channel modifier subfamily V member 2; plus strand). Cytogenetic location: 9p24.2.
Variant type: single nucleotide variant.
Coding change: c.20G>A on transcript NM_133497.4 (MANE Select); coding-DNA position 20, G replaced by A.
Protein change: p.Arg7Lys; replaces arginine 7 with lysine.
Molecular consequence: missense variant.
Genome position (GRCh38, 1-based): chr9:2,717,759, G>A. VCF-style: chr9-2717759-G-A. GRCh37 (hg19) VCF-style: chr9-2717759-G-A.
Other names: short protein forms R7K.
Identifiers: ClinVar variation 970650 (VCV000970650.11), dbSNP rs370186140, ClinGen allele CA4965287.